The following is an entry in ClinVar:

NM_020778.5(ALPK3):c.4502T>A (p.Ile1501Asn)

Gene: ALPK3 (alpha kinase 3; plus strand). Cytogenetic location: 15q25.3.
Variant type: single nucleotide variant.
Coding change: c.4502T>A on transcript NM_020778.5 (MANE Select); coding-DNA position 4502, T replaced by A.
Protein change: p.Ile1501Asn; replaces isoleucine 1501 with asparagine.
Molecular consequence: missense variant.
Genome position (GRCh38, 1-based): chr15:84,864,444, T>A. VCF-style: chr15-84864444-T-A. GRCh37 (hg19) VCF-style: chr15-85407675-T-A.
Other names: short protein forms I1501N.
Identifiers: ClinVar variation 4044498 (VCV004044498.1).

ClinVar aggregate classification (germline): Uncertain significance (1 of 4 stars; one submission).

Conditions:
Cardiovascular phenotype. Identifiers: MedGen CN230736.

gnomAD v4.1: 1 of 1,613,800 alleles (0.000062%); highest among the groups gnomAD compares: Non-Finnish European, 0.000085%; no homozygotes.

Submission:

Ambry Genetics
Classification: Uncertain significance for Cardiovascular phenotype. Last evaluated: 2025-03-25. Review status: criteria provided, single submitter. Criteria: Ambry Variant Classification Scheme 2023. Collection method: clinical testing. Allele origin: germline.
Comment: The p.I1703N variant (also known as c.5108T>A), located in coding exon 12 of the ALPK3 gene, results from a T to A substitution at nucleotide position 5108. The isoleucine at codon 1703 is replaced by asparagine, an amino acid with dissimilar properties. This amino acid position is conserved. In addition, this alteration is predicted to be tolerated by in silico analysis. Based on the available evidence, the clinical significance of this variant remains unclear.